The following is an entry in ClinVar:

ClinVar aggregate classification (germline): Uncertain significance (1 of 4 stars; one submission).

Submission:

Dasa
Classification: Uncertain significance. Last evaluated: 2025-03-07. Review status: criteria provided, single submitter. Criteria: DASA Assertion Criteria. Collection method: clinical testing. Allele origin: germline.
Comment: NM_001366145.2(TRPM3):c.227A>G (p.His76Arg) is a missense variant that results in the substitution of histidine with arginine. This variant is rare in population databases. Computational prediction algorithms are consistent with a benign effect. The currently available literature and clinical evidence are not sufficient to establish a definitive association between this variant and the reported condition. Therefore, this variant is classified as a variant of uncertain significance.

NM_001366145.2(TRPM3):c.227A>G (p.His76Arg)

Gene: TRPM3 (transient receptor potential cation channel subfamily M member 3; minus strand). Cytogenetic location: 9q21.12.
Variant type: single nucleotide variant.
Coding change: c.227A>G on transcript NM_001366145.2 (MANE Select); coding-DNA position 227, A replaced by G.
Protein change: p.His76Arg; replaces histidine 76 with arginine.
Molecular consequence: missense variant. On other transcripts: 5 prime UTR variant (9).
Genome position (GRCh38, 1-based): chr9:70,864,462, T>C on the plus strand (A>G on the coding strand, the complement: TRPM3 is on the minus strand). VCF-style: chr9-70864462-T-C. GRCh37 (hg19) VCF-style: chr9-73479378-T-C.
Other names: c.-233A>G (NM_001007470.3, NM_001366154.2, NM_020952.6 and 6 more transcripts); c.227A>G, p.His76Arg (NM_001007471.4, NM_001366146.2, NM_001366147.2 and 6 more transcripts); c.233A>G, p.His78Arg (NM_001366141.2, NM_001366142.2, NM_001366143.2 and 1 more transcripts); short protein forms H76R, H78R.
Identifiers: ClinVar variation 4881513 (VCV004881513.2).